The following is an entry in ClinVar:

ClinVar aggregate classification (germline): Uncertain significance. Review status: criteria provided, single submitter (1 of 4 stars). 2 submissions from 2 submitters: Uncertain significance (1). 1 of the submissions does not count toward it. Last evaluated 2024-05-08.

Conditions:
HEMOGLOBIN BOYLE HEIGHTS.

Submissions (2):

ARUP Laboratories, Molecular Genetics and Genomics, ARUP Laboratories
Classification: Uncertain significance. Last evaluated: 2024-05-08. Review status: criteria provided, single submitter. Criteria: ARUP Molecular Germline Variant Investigation Process 2024. Collection method: clinical testing. Allele origin: germline.
Comment: The Hb Boyle Heights variant (HBA2: c.19_21delGAC; p.Asp7del, also known as Asp6del when numbered from the mature protein, rs34623271, ClinVar ID: 15641, HbVar ID: 715) is reported in several heterozygous individuals with mild microcytosis and hypochromia without anemia (Johnson 1983, Zhao 1990, HbVar database). This variant is absent from the Genome Aggregation Database (v2.1.1), indicating it is not a common polymorphism. This variant deletes a single aspartate residue leaving the rest of the protein in-frame. Functional characterization suggests the variant protein is unstable and exhibits increased oxygen affinity (Johnson 1983). Due to limited information, the clinical significance of this variant is uncertain at this time. References: Link to HbVar database: Johnson CS et al. The first example of a deletion in the human alpha chain: hemoglobin Boyle Heights or alpha 2 6 (A4) Asp----to O beta 2. Hemoglobin. 1983;7(2):125-40. PMID: 6671902. Zhao W et al. Low quantities of Hb Boyle Heights or alpha 2(6)(A4)Asp----O beta 2 observed in three members of a Caucasian family. Hemoglobin. 1990;14(6):637-40. PMID: 2101838

OMIM
Classification: other for HEMOGLOBIN BOYLE HEIGHTS. Last evaluated: 2022-09-12. Review status: no assertion criteria provided. Collection method: literature only. Allele origin: germline. Not counted in ClinVar's aggregate classification.

Literature cited by the submitters: PubMed 6671902 (cited by OMIM); PubMed 2101838 (cited by OMIM).

NM_000517.6(HBA2):c.19_21del (p.Asp7del)

Genes: HBA2 (hemoglobin subunit alpha 2; plus strand), LOC106804612 (hemoglobin subunit alpha 2 recombination region; plus strand). Cytogenetic location: 16p13.3.
Variant type: Deletion.
Coding change: c.19_21del on transcript NM_000517.6 (MANE Select); coding-DNA positions 19 to 21, 3 bases deleted (GAC; older notation c.19_21delGAC).
Protein change: p.Asp7del; deletes aspartic acid 7.
Molecular consequence: inframe deletion.
Genome position (GRCh38, 1-based): chr16:172,931-172,933, GAC deleted; deleting any 3 consecutive bases within chr16:172,930-172,933 gives the same sequence; the c. name uses the placement nearest the transcript's 3' end. VCF-style (leftmost placement, unchanged base first): chr16-172929-CCGA-C. GRCh37 (hg19) VCF-style: chr16-222928-CCGA-C.
Other names: D6del; short protein forms D7del.
Identifiers: ClinVar variation 15641 (VCV000015641.4), dbSNP rs34623271, ClinGen allele CA125578.